The following is an entry in ClinVar:

NM_001148.6(ANK2):c.2178+274G>A

Gene: ANK2 (ankyrin 2; plus strand). Cytogenetic location: 4q26.
Variant type: single nucleotide variant.
Coding change: c.2178+274G>A on transcript NM_001148.6 (MANE Select); 274 bases into the intron after coding-DNA position 2178, G replaced by A.
Molecular consequence: intron variant.
Genome position (GRCh38, 1-based): chr4:113,287,977, G>A. VCF-style: chr4-113287977-G-A. GRCh37 (hg19) VCF-style: chr4-114209133-G-A.
Other names: c.2166+274G>A (NM_001386186.2, NM_001386148.2); c.1968+274G>A (NM_001354269.3); c.2142+274G>A (NM_001386187.2); c.2136+274G>A (NM_001386147.1, NM_001386160.1, NM_001354261.2); c.2115+274G>A (NM_001354254.2, NM_001354239.2, NM_001354252.2 and 10 more transcripts); c.2016+274G>A (NM_001354253.2, NM_001354270.2, NM_001354257.2 and 1 more transcripts); c.2091+274G>A (NM_001354249.2, NM_001354266.2, NM_001354276.2 and 10 more transcripts); c.1992+274G>A (NM_001386151.1, NM_001354260.2, NM_001354271.2); and 8 more.
Identifiers: ClinVar variation 683076 (VCV000683076.1), dbSNP rs29360, ClinGen allele CA11909611.
Genomic context (GRCh38, chr4:113,287,977, plus strand): 5'-TTGCAGGAAGACTCCAATTTTGCAGCCTTAAGTCTATCCTCTCTCTTACTGCTTTAGCTA[G>A]TTCACATGACTTGCTGCGTTCCTCTTCTATTTGCTCATCTCCATGCCCTTGGTCTGGAAA-3'

ClinVar aggregate classification (germline): Benign (1 of 4 stars; one submission).

Allele frequency attached by ClinVar (database versions not stated): gnomAD 0.12853; TOPMed 0.13335; 1000 Genomes Project 30x 0.15225; 1000 Genomes Project 0.15236.
gnomAD v4.1: 18,805 of 152,138 alleles (12%); highest among the groups gnomAD compares: African/African-American, 30%; 2,075 homozygotes.

Submission:

GeneDx
Classification: Benign. Last evaluated: 2018-06-14. Review status: criteria provided, single submitter. Criteria: GeneDx Variant Classification (06012015). Collection method: clinical testing. Allele origin: germline. Affected: yes.
Comment: This variant is considered likely benign or benign based on one or more of the following criteria: it is a conservative change, it occurs at a poorly conserved position in the protein, it is predicted to be benign by multiple in silico algorithms, and/or has population frequency not consistent with disease.